The following is an entry in ClinVar:

ClinVar aggregate classification (germline): Benign. Review status: criteria provided, multiple submitters, no conflicts (2 of 4 stars). 2 submissions from 2 submitters: Benign (2). Last evaluated 2026-01-15.

Conditions:
Oculotrichoanal syndrome (MOTA). Also called: MARLES SYNDROME; Manitoba Oculotrichoanal (MOTA) Syndrome. Identifiers: Orphanet 2717, MedGen C1855425, MONDO:0009560, OMIM 248450.

Allele frequency attached by ClinVar (database versions not stated): 1000 Genomes Project 0.00659; 1000 Genomes Project 30x 0.00750.
gnomAD v4.1: 2,084 of 1,606,212 alleles (0.13%); highest among the groups gnomAD compares: African/African-American, 2.5%; 29 homozygotes.

Submissions (2):

Labcorp Genetics (formerly Invitae), Labcorp
Classification: Benign. Last evaluated: 2026-01-15. Review status: criteria provided, single submitter. Criteria: Invitae Variant Classification Sherloc (09022015). Collection method: clinical testing. Allele origin: germline.

Illumina Laboratory Services, Illumina
Classification: Benign for Oculotrichoanal syndrome. Last evaluated: 2018-01-13. Review status: criteria provided, single submitter. Criteria: ICSL Variant Classification Criteria 13 December 2019. Collection method: clinical testing. Allele origin: germline.
Comment: This variant was observed in the ICSL laboratory as part of a predisposition screen in an ostensibly healthy population. It had not been previously curated by ICSL or reported in the Human Gene Mutation Database (HGMD: prior to June 1st, 2018), and was therefore a candidate for classification through an automated scoring system. Utilizing variant allele frequency, disease prevalence and penetrance estimates, and inheritance mode, an automated score was calculated to assess if this variant is too frequent to cause the disease. Based on the score and internal cut-off values, a variant classified as benign is not then subjected to further curation. The score for this variant resulted in a classification of benign for this disease.

NM_001379081.2(FREM1):c.6139-4T>C

Gene: FREM1 (FRAS1 related extracellular matrix 1; minus strand). Cytogenetic location: 9p22.3.
Variant type: single nucleotide variant.
Coding change: c.6139-4T>C on transcript NM_001379081.2 (MANE Select); 4 bases into the intron before coding-DNA position 6139, T replaced by C.
Molecular consequence: intron variant.
Genome position (GRCh38, 1-based): chr9:14,746,472, A>G on the plus strand (T>C on the coding strand, the complement: FREM1 is on the minus strand). VCF-style: chr9-14746472-A-G. GRCh37 (hg19) VCF-style: chr9-14746470-A-G.
Other names: c.6139-4T>C (NM_144966.7); c.1747-4T>C (NM_001370061.2, NM_001177704.3); c.1596+451T>C (NM_001370058.2).
Identifiers: ClinVar variation 366103 (VCV000366103.14), dbSNP rs77135480, ClinGen allele CA4989523.